The following is an entry in ClinVar:

ClinVar aggregate classification (germline): Pathogenic/Likely pathogenic. Review status: criteria provided, multiple submitters, no conflicts (2 of 4 stars). 2 submissions from 2 submitters: Pathogenic (1); Likely pathogenic (1). Last evaluated 2024-05-10.

Conditions:
Mandibulofacial dysostosis-microcephaly syndrome (MFDGA). Also called: Growth and mental retardation, mandibulofacial dysostosis, microcephaly, and cleft palate; Mandibulofacial dysostosis, Guion-Almeida type. Identifiers: Orphanet 79113, MedGen C1864652, MONDO:0012516, OMIM 610536.

Submissions (2):

Institute for Clinical Genetics, University Hospital TU Dresden, University Hospital TU Dresden
Classification: Pathogenic for Mandibulofacial dysostosis-microcephaly syndrome. Last evaluated: 2024-05-10. Review status: criteria provided, single submitter. Criteria: ACMG Guidelines, 2015. Collection method: clinical testing. Allele origin: germline. Affected: yes.
Comment: The above-mentioned splice variant in the EFTUD2 gene (NM_004247.3:c.2562-2A>G, p.?) leads to disruption of the canonical splice site at the end of intron 25 due to a base exchange, which most likely results in defective splicing of the mRNA. Bioinformatic prediction algorithms to assess the effect on splicing efficiency estimate the variant as relevant and its effect on protein expression as very strong (SpliceAI ?: AL 1.00/-2bp, AG 0.74/-18bp, PMID: 32442321; AutoPVS1: Very Strong, PMID: 30661751). Most likely, activation of a cryptic splice acceptor would result in a reading frame shift and termination of translation by a premature stop codon, so that the mRNA is degraded by nonsense mediated mRNA decay (NMD) and no protein is produced by the affected allele. However, an actual splicing effect has not yet been functionally investigated. This variant has been classified in the ClinVar database once as probably pathogenic in an individual with MFDGA. Two other variants in the same splicing motif (c.2562-2del; c.2562-2_2562-1del) and with comparable bioinformatic splicing prediction have been reported in the literature at least 5 times as causing disease in individuals with MFDGA, of which at least 2 times de novo (PMID: 24470203). This variant is not listed in the population database gnomAD v4.0.0. According to current ACMG recommendations for variant evaluation (PMID 25741868), the criteria PVS1, PS1, PS4_SUP and PM2_SUP are fulfilled, resulting in an evaluation as a pathogenic variant (ACMG class 5).

Clinical Genomics Laboratory, Washington University in St. Louis
Classification: Likely pathogenic for Mandibulofacial dysostosis-microcephaly syndrome. Last evaluated: 2024-02-08. Review status: criteria provided, single submitter. Criteria: ACMG Guidelines, 2015. Collection method: clinical testing. Allele origin: germline. Affected: yes.
Comment: The EFTUD2 c.2562-2A>G variant, to our knowledge, has not been reported in the medical literature. This variant is absent from the general population (gnomAD v.2.1.1), indicating it is not a common variant. This variant occurs within the canonical splice acceptor site, which is predicted to cause skipping of the exon, leading to an out of frame transcript. Additionally, another variant in the same nucleotide, c.2562-2del, has been described as occurring de novo in multiple affected individuals and is considered pathogenic (Lehalle D et al., PMID: 24470203). Based on available information and the ACMG/AMP guidelines for variant interpretation (Richards S et al., PMID: 25741868), this variant is classified as likely pathogenic.

NM_004247.4(EFTUD2):c.2562-2A>G

Gene: EFTUD2 (elongation factor Tu GTP binding domain containing 2; minus strand). Cytogenetic location: 17q21.31.
Variant type: single nucleotide variant.
Coding change: c.2562-2A>G on transcript NM_004247.4 (MANE Select); the canonical splice acceptor site of the intron before coding-DNA position 2562, A replaced by G.
Molecular consequence: splice acceptor variant.
Genome position (GRCh38, 1-based): chr17:44,852,564, T>C on the plus strand (A>G on the coding strand, the complement: EFTUD2 is on the minus strand). VCF-style: chr17-44852564-T-C. GRCh37 (hg19) VCF-style: chr17-42929932-T-C.
Other names: c.2457-2A>G (NM_001142605.2); c.2532-2A>G (NM_001258354.2); c.2562-2A>G (NM_001258353.2).
Identifiers: ClinVar variation 3236619 (VCV003236619.2), dbSNP rs2508718746, ClinGen allele CA399839250.